The following is an entry in ClinVar:

NM_024817.3(THSD4):c.2212G>A (p.Glu738Lys)

Gene: THSD4 (thrombospondin type 1 domain containing 4; plus strand). Cytogenetic location: 15q23.
Variant type: single nucleotide variant.
Coding change: c.2212G>A on transcript NM_024817.3 (MANE Select); coding-DNA position 2212, G replaced by A.
Protein change: p.Glu738Lys; replaces glutamic acid 738 with lysine.
Molecular consequence: missense variant.
Genome position (GRCh38, 1-based): chr15:71,747,013, G>A. VCF-style: chr15-71747013-G-A. GRCh37 (hg19) VCF-style: chr15-72039352-G-A.
Other names: c.1132G>A, p.Glu378Lys (NM_001286429.2); c.2212G>A, p.Glu738Lys (NM_001394532.1); short protein forms E378K, E738K.
Identifiers: ClinVar variation 3254921 (VCV003254921.1), dbSNP rs376870646.

ClinVar aggregate classification (germline): Uncertain significance (1 of 4 stars; one submission).

Conditions:
Aortic aneurysm, familial thoracic 12. Identifiers: MedGen C5676959, MONDO:0030731, OMIM 619825.

Allele frequency attached by ClinVar (database versions not stated): ExAC 0.00001; gnomAD exomes 0.00002; gnomAD 0.00003; TOPMed 0.00004; ESP Exome Variant Server 0.00008.
gnomAD v4.1: 42 of 1,611,996 alleles (0.0026%); highest among the groups gnomAD compares: Non-Finnish European, 0.0031%; no homozygotes.

Submission:

Victorian Clinical Genetics Services, Murdoch Childrens Research Institute
Classification: Uncertain significance for Aortic aneurysm, familial thoracic 12. Last evaluated: 2023-07-17. Review status: criteria provided, single submitter. Criteria: ACMG Guidelines, 2015. Collection method: clinical testing. Allele origin: germline. Inheritance: Autosomal dominant inheritance. Affected: yes.
Comment: Based on the classification scheme VCGS_Germline_v1.3.4, this variant is classified as VUS-3B. Following criteria are met: 0102 - Loss of function is a known mechanism of disease in this gene and is associated with familial thoracic aortic aneurysm 12 (MIM#619825). (I) 0107 - This gene is associated with autosomal dominant disease. (I) 0200 - Variant is predicted to result in a missense amino acid change from glutamic acid to lysine. (I) 0251 - This variant is heterozygous. (I) 0302 - Variant is present in gnomAD (v2 and v3) <0.001 for a dominant condition (8 heterozygotes, 0 homozygotes). (SP) 0502 - Missense variant with conflicting in silico predictions and uninformative conservation. (I) 0604 - Variant is not located in an established domain, motif, hotspot or informative constraint region. (I) 0705 - No comparable missense variants have previous evidence for pathogenicity. (I) 0807 - This variant has no previous evidence of pathogenicity. (I) 0905 - No published segregation evidence has been identified for this variant. (I) 1007 - No published functional evidence has been identified for this variant. (I) 1208 - Inheritance information for this variant is not currently available in this individual. (I) Legend: (SP) - Supporting pathogenic, (I) - Information, (SB) - Supporting benign